The following is an entry in ClinVar:

NM_015910.7(WDPCP):c.1379A>T (p.Asp460Val)

Gene: WDPCP (WD repeat containing planar cell polarity effector; minus strand). Cytogenetic location: 2p15.
Variant type: single nucleotide variant.
Coding change: c.1379A>T on transcript NM_015910.7 (MANE Select); coding-DNA position 1379, A replaced by T.
Protein change: p.Asp460Val; replaces aspartic acid 460 with valine.
Molecular consequence: missense variant. On other transcripts: non-coding transcript variant (3).
Genome position (GRCh38, 1-based): chr2:63,404,104, T>A on the plus strand (A>T on the coding strand, the complement: WDPCP is on the minus strand). VCF-style: chr2-63404104-T-A. GRCh37 (hg19) VCF-style: chr2-63631239-T-A.
Other names: c.902A>T, p.Asp301Val (NM_001042692.3); c.1307A>T, p.Asp436Val (NM_001354044.2); c.1379A>T, p.Asp460Val (NM_001354045.2); short protein forms D460V, D301V, D436V.
Identifiers: ClinVar variation 1468899 (VCV001468899.8), dbSNP rs367834809, ClinGen allele CA1682245.

ClinVar aggregate classification (germline): Uncertain significance. Review status: criteria provided, multiple submitters, no conflicts (2 of 4 stars). 2 submissions from 2 submitters: Uncertain significance (2). Last evaluated 2025-09-02.

Conditions:
Bardet-Biedl syndrome (BBS). Identifiers: Orphanet 110, MedGen C0752166, MONDO:0015229.
Heart defect - tongue hamartoma - polysyndactyly syndrome. Also called: Congenital heart defects, hamartomas of tongue, and polysyndactyly. Identifiers: Orphanet 1338, MedGen C1857587, MONDO:0009008, OMIM 217085.
Bardet-Biedl syndrome 15 (BBS15). Identifiers: Orphanet 110, MedGen C3150127, MONDO:0014443, OMIM 615992.

Allele frequency attached by ClinVar (database versions not stated): TOPMed 0.00001; ExAC 0.00002; gnomAD 0.00002; gnomAD exomes 0.00002; ESP Exome Variant Server 0.00008.
gnomAD v4.1: 29 of 1,613,954 alleles (0.0018%); highest among the groups gnomAD compares: Non-Finnish European, 0.0023%; no homozygotes.

Submissions (2):

Labcorp Genetics (formerly Invitae), Labcorp
Classification: Uncertain significance for Bardet-Biedl syndrome. Last evaluated: 2025-09-02. Review status: criteria provided, single submitter. Criteria: Invitae Variant Classification Sherloc (09022015). Collection method: clinical testing. Allele origin: germline.
Comment: This sequence change replaces aspartic acid, which is acidic and polar, with valine, which is neutral and non-polar, at codon 460 of the WDPCP protein (p.Asp460Val). This variant is present in population databases (rs367834809, gnomAD 0.005%). This variant has not been reported in the literature in individuals affected with WDPCP-related conditions. ClinVar contains an entry for this variant (Variation ID: 1468899). Invitae Evidence Modeling of protein sequence and biophysical properties (such as structural, functional, and spatial information, amino acid conservation, physicochemical variation, residue mobility, and thermodynamic stability) has been performed for this missense variant. However, the output from this modeling did not meet the statistical confidence thresholds required to predict the impact of this variant on WDPCP protein function. Algorithms developed to predict the effect of sequence changes on RNA splicing suggest that this variant may create or strengthen a splice site. In summary, the available evidence is currently insufficient to determine the role of this variant in disease. Therefore, it has been classified as a Variant of Uncertain Significance.

Fulgent Genetics
Classification: Uncertain significance for Heart defect - tongue hamartoma - polysyndactyly syndrome; Bardet-Biedl syndrome 15. Last evaluated: 2024-04-17. Review status: criteria provided, single submitter. Criteria: ACMG Guidelines, 2015. Collection method: clinical testing. Allele origin: germline.